The following is an entry in ClinVar:

ClinVar aggregate classification (germline): Uncertain significance (1 of 4 stars; one submission).

Submission:

GeneDx
Classification: Uncertain significance. Last evaluated: 2024-11-14. Review status: criteria provided, single submitter. Criteria: GeneDx Variant Classification Process June 2021. Collection method: clinical testing. Allele origin: germline. Affected: yes.
Comment: Not observed at significant frequency in large population cohorts (gnomAD); In silico analysis indicates that this missense variant does not alter protein structure/function; Has not been previously published as pathogenic or benign to our knowledge

NM_021072.4(HCN1):c.68C>G (p.Ala23Gly)

Gene: HCN1 (hyperpolarization activated cyclic nucleotide gated potassium channel 1; minus strand). Cytogenetic location: 5p12.
Variant type: single nucleotide variant.
Coding change: c.68C>G on transcript NM_021072.4 (MANE Select); coding-DNA position 68, C replaced by G.
Protein change: p.Ala23Gly; replaces alanine 23 with glycine.
Molecular consequence: missense variant.
Genome position (GRCh38, 1-based): chr5:45,696,026, G>C on the plus strand (C>G on the coding strand, the complement: HCN1 is on the minus strand). VCF-style: chr5-45696026-G-C. GRCh37 (hg19) VCF-style: chr5-45696128-G-C.
Other names: short protein forms A23G.
Identifiers: ClinVar variation 3899745 (VCV003899745.1).
Genomic context (GRCh38, chr5:45,696,026, plus strand): 5'-GGCGGGGTGCCCAGGCGCTTCTCGGCCGCGGCCGGCCCCGCGCCCGTCGCGGACGCCTTG[G>C]CGGGGAAGACGCTGTTGCCATCGTCCCGGCTGTTAGACGAAGAGTTGGGCTTGCCGCCTC-3'
Protein context (NP_066550.2, residues 13-33): SRDDGNSVFP[Ala23Gly]KASATGAGPA